The following is an entry in ClinVar:

ClinVar aggregate classification (germline): Uncertain significance (0 of 4 stars; one submission).

Conditions:
EP300-related disorder. Also called: EP300-related condition; EP300-related disorders.

Submission:

PreventionGenetics, part of Exact Sciences
Classification: Uncertain significance for EP300-related condition. Last evaluated: 2023-12-22. Review status: no assertion criteria provided. Collection method: clinical testing. Allele origin: germline.
Comment: The EP300 c.7006T>C variant is predicted to result in the amino acid substitution p.Ser2336Pro. To our knowledge, this variant has not been reported in the literature or in a large population database, indicating this variant is rare. At this time, the clinical significance of this variant is uncertain due to the absence of conclusive functional and genetic evidence.

NM_001429.4(EP300):c.7006T>C (p.Ser2336Pro)

Gene: EP300 (E1A binding protein p300; plus strand). Cytogenetic location: 22q13.2.
Variant type: single nucleotide variant.
Coding change: c.7006T>C on transcript NM_001429.4 (MANE Select); coding-DNA position 7006, T replaced by C.
Protein change: p.Ser2336Pro; replaces serine 2336 with proline.
Molecular consequence: missense variant.
Genome position (GRCh38, 1-based): chr22:41,178,717, T>C. VCF-style: chr22-41178717-T-C. GRCh37 (hg19) VCF-style: chr22-41574721-T-C.
Other names: c.6928T>C, p.Ser2310Pro (NM_001362843.2); short protein forms S2310P, S2336P.
Identifiers: ClinVar variation 3348909 (VCV003348909.1).